The following is an entry in ClinVar:

ClinVar aggregate classification (germline): Likely benign (0 of 4 stars; one submission).

Conditions:
SETX-related disorder. Also called: SETX-related condition; SETX-related disorders. Identifiers: MedGen CN239403.

Allele frequency attached by ClinVar (database versions not stated): ExAC 0.00002; ESP Exome Variant Server 0.00008; 1000 Genomes Project 0.00020; 1000 Genomes Project 30x 0.00031.
gnomAD v4.1: 30 of 1,614,058 alleles (0.0019%); highest among the groups gnomAD compares: Admixed American, 0.005%; no homozygotes.

Submission:

PreventionGenetics, part of Exact Sciences
Classification: Likely benign for SETX-related condition. Last evaluated: 2023-07-28. Review status: no assertion criteria provided. Collection method: clinical testing. Allele origin: germline.
Comment: This variant is classified as likely benign based on ACMG/AMP sequence variant interpretation guidelines (Richards et al. 2015 PMID: 25741868, with internal and published modifications).

NM_015046.7(SETX):c.123G>A (p.Leu41=)

Gene: SETX (senataxin; minus strand). Cytogenetic location: 9q34.13.
Variant type: single nucleotide variant.
Coding change: c.123G>A on transcript NM_015046.7 (MANE Select); coding-DNA position 123, G replaced by A.
Protein change: p.Leu41=; no amino-acid change (leucine 41 retained).
Molecular consequence: synonymous variant.
Genome position (GRCh38, 1-based): chr9:132,349,306, C>T on the plus strand (G>A on the coding strand, the complement: SETX is on the minus strand). VCF-style: chr9-132349306-C-T. GRCh37 (hg19) VCF-style: chr9-135224693-C-T.
Other names: c.123G>A, p.Leu41= (NM_001351527.2, NM_001351528.2).
Identifiers: ClinVar variation 3030804 (VCV003030804.2), dbSNP rs188406893, ClinGen allele CA5298127.